The following is an entry in ClinVar:

NM_004714.3(DYRK1B):c.1683G>A (p.Pro561=)

Gene: DYRK1B (dual specificity tyrosine phosphorylation regulated kinase 1B; minus strand). Cytogenetic location: 19q13.2.
Variant type: single nucleotide variant.
Coding change: c.1683G>A on transcript NM_004714.3 (MANE Select); coding-DNA position 1683, G replaced by A.
Protein change: p.Pro561=; no amino-acid change (proline 561 retained).
Molecular consequence: synonymous variant.
Genome position (GRCh38, 1-based): chr19:39,825,922, C>T on the plus strand (G>A on the coding strand, the complement: DYRK1B is on the minus strand). VCF-style: chr19-39825922-C-T. GRCh37 (hg19) VCF-style: chr19-40316562-C-T.
Other names: c.1683G>A (NM_004714.2); c.1563G>A, p.Pro521= (NM_006483.3); c.1599G>A, p.Pro533= (NM_006484.3).
Identifiers: ClinVar variation 2895734 (VCV002895734.5), dbSNP rs146845211, ClinGen allele CA9433943.

ClinVar aggregate classification (germline): Likely benign. Review status: criteria provided, single submitter (1 of 4 stars). 2 submissions from 2 submitters: Likely benign (1). 1 of the submissions does not count toward it. Last evaluated 2023-01-26.

Conditions:
DYRK1B-related disorder. Also called: DYRK1B-related condition.

Allele frequency attached by ClinVar (database versions not stated): gnomAD exomes 0.00001; ExAC 0.00002; ESP Exome Variant Server 0.00008; gnomAD 0.00012.
gnomAD v4.1: 27 of 1,505,258 alleles (0.0018%); highest among the groups gnomAD compares: Middle Eastern, 0.036%; 1 homozygote.

Submissions (2):

Labcorp Genetics (formerly Invitae), Labcorp
Classification: Likely benign. Last evaluated: 2023-01-26. Review status: criteria provided, single submitter. Criteria: Invitae Variant Classification Sherloc (09022015). Collection method: clinical testing. Allele origin: germline.

PreventionGenetics, part of Exact Sciences
Classification: Likely benign for DYRK1B-related condition. Last evaluated: 2021-06-21. Review status: no assertion criteria provided. Collection method: clinical testing. Allele origin: germline. Not counted in ClinVar's aggregate classification.
Comment: This variant is classified as likely benign based on ACMG/AMP sequence variant interpretation guidelines (Richards et al. 2015 PMID: 25741868, with internal and published modifications).